The following is an entry in ClinVar:

NM_003850.3(SUCLA2):c.72C>G (p.Ala24=)

Genes: SUCLA2 (succinate-CoA ligase ADP-forming subunit beta; minus strand), LOC130009747 (ATAC-STARR-seq lymphoblastoid active region 7719; plus strand). Cytogenetic location: 13q14.2.
Variant type: single nucleotide variant.
Coding change: c.72C>G on transcript NM_003850.3 (MANE Select); coding-DNA position 72, C replaced by G.
Protein change: p.Ala24=; no amino-acid change (alanine 24 retained).
Molecular consequence: synonymous variant.
Genome position (GRCh38, 1-based): chr13:48,001,198, G>C on the plus strand (C>G on the coding strand, the complement: SUCLA2 is on the minus strand). VCF-style: chr13-48001198-G-C. GRCh37 (hg19) VCF-style: chr13-48575334-G-C.
Other names: p.Ala24=.
Identifiers: ClinVar variation 4683799 (VCV004683799.1).
Genomic context (GRCh38, chr13:48,001,198, plus strand): 5'-TCCTGCCGACCCTCGAGACGACAGCGGACTGGAAGGCATTACCTGAGCAGCAGCCCGCTG[G>C]GCCGTCCGAGGCCGGTGGTTCCGAAGGGTGGCCACGGCCACTAGCCTGCCGTAGAACATG-3'
Protein context (NP_003841.1, residues 14-34): ATLRNHRPRT[Ala24=]QRAAAQVLGS

ClinVar aggregate classification (germline): Likely benign (1 of 4 stars; one submission).

gnomAD v4.1: 3 of 1,609,452 alleles (0.00019%); highest among the groups gnomAD compares: South Asian, 0.0033%; no homozygotes.

Submission:

Mayo Clinic Laboratories, Mayo Clinic
Classification: Likely benign. Last evaluated: 2025-11-05. Review status: criteria provided, single submitter. Criteria: ACMG Guidelines, 2015. Collection method: clinical testing. Allele origin: germline. Observed: 1 variant allele.
Comment: BP4, BP7